The following is an entry in ClinVar:

ClinVar aggregate classification (germline): Pathogenic (1 of 4 stars; one submission).

Conditions:
Multiple congenital exostosis (EXT). Also called: Hereditary multiple osteochondromas; MULTIPLE CARTILAGINOUS EXOSTOSES; Hereditary multiple exostoses; Hereditary multiple exostosis; Multiple osteochondromas; Multiple exostoses. Identifiers: Orphanet 321, MedGen C0015306, MONDO:0005508, HP:0002762.

Submission:

Labcorp Genetics (formerly Invitae), Labcorp
Classification: Pathogenic for Multiple congenital exostosis. Last evaluated: 2025-11-30. Review status: criteria provided, single submitter. Criteria: Invitae Variant Classification Sherloc (09022015). Collection method: clinical testing. Allele origin: germline.
Comment: This sequence change inserts a large fragment of DNA, likely a transposable element, in exon 1 of the EXT1 gene (c.699_700ins?), causing a frameshift at codon 234 (p.Ile234fs). The exact size and sequence of the insertion cannot be determined by the current assay. However, the insertion is expected to result in an absent or disrupted protein product. This variant is not present in population databases (gnomAD no frequency). This variant has not been reported in the literature in individuals affected with EXT1-related conditions. Retrotransposon insertions including LINE1 (L1), Alu, and SVA (SINE-VNTR-Alu) have been reported to be disease-causing through disruption of either a coding region or splice site (PMID: 19763152, 20307669, 22406018) and loss-of-function variants in EXT1 are known to be pathogenic (PMID: 10679937, 11391482, 19810120). For these reasons, this variant has been classified as Pathogenic.

Literature cited by the submitters: PubMed 19763152; PubMed 20307669; PubMed 22406018; PubMed 10679937; PubMed 11391482; PubMed 19810120.

NM_000127.3(EXT1):c.699_700insTTTTTTTTTTTTTTTTTTTTNNNNNNNNNNTCCTGACCTCGTGATCCGCCCGCCTCGGCCTCCCAAAGTGCTGGGATTACAGGCGTGAGCCACCGGGCCCGGCCAACTTTGATGTTTCT (p.Ile234delinsPhePhePhePhePhePheXaaXaaXaaXaaSerTer)

Gene: EXT1 (exostosin glycosyltransferase 1; minus strand). Cytogenetic location: 8q24.11.
Variant type: Insertion.
Coding change: c.699_700insTTTTTTTTTTTTTTTTTTTTNNNNNNNNNNTCCTGACCTCGTGATCCGCCCGCCTCGGCCTCCCAAAGTGCTGGGATTACAGGCGTGAGCCACCGGGCCCGGCCAACTTTGATGTTTCT on transcript NM_000127.3 (MANE Select); coding-DNA positions 699 to 700, TTTTTTTTTTTTTTTTTTTTNNNNNNNNNNTCCTGACCTCGTGATCCGCCCGCCTCGGCCTCCCAAAGTGCTGGGATTACAGGCGTGAGCCACCGGGCCCGGCCAACTTTGATGTTTCT inserted.
Protein change: p.Ile234delinsPhePhePhePhePhePheXaaXaaXaaXaaSerTer.
Molecular consequence: nonsense.
Genome position: GRCh38: chr8:118,110,364-118,110,365. GRCh37 (hg19): chr8:119,122,603-119,122,604.
Identifiers: ClinVar variation 4732231 (VCV004732231.1).